The following is an entry in ClinVar:

NM_001430.5(EPAS1):c.1156A>G (p.Ser386Gly)

Gene: EPAS1 (endothelial PAS domain protein 1; plus strand). Cytogenetic location: 2p21.
Variant type: single nucleotide variant.
Coding change: c.1156A>G on transcript NM_001430.5 (MANE Select); coding-DNA position 1156, A replaced by G.
Protein change: p.Ser386Gly; replaces serine 386 with glycine.
Molecular consequence: missense variant.
Genome position (GRCh38, 1-based): chr2:46,376,660, A>G. VCF-style: chr2-46376660-A-G. GRCh37 (hg19) VCF-style: chr2-46603799-A-G.
Other names: short protein forms S386G.
Identifiers: ClinVar variation 2565035 (VCV002565035.2), dbSNP rs1048737889, ClinGen allele CA46562216.

ClinVar aggregate classification (germline): Uncertain significance (1 of 4 stars; one submission).

Conditions:
Inborn genetic diseases. Identifiers: MedGen C0950123, MeSH D030342.

Allele frequency attached by ClinVar (database versions not stated): gnomAD 0.00001; TOPMed 0.00001.
gnomAD v4.1: 2 of 1,614,010 alleles (0.00012%); highest among the groups gnomAD compares: African/African-American, 0.0027%; no homozygotes.

Submission:

Ambry Genetics
Classification: Uncertain significance for Inborn genetic diseases. Last evaluated: 2023-03-20. Review status: criteria provided, single submitter. Criteria: Ambry Variant Classification Scheme 2023. Collection method: clinical testing. Allele origin: germline.
Comment: The p.S386G variant (also known as c.1156A>G), located in coding exon 9 of the EPAS1 gene, results from an A to G substitution at nucleotide position 1156. The serine at codon 386 is replaced by glycine, an amino acid with similar properties. This amino acid position is conserved. In addition, this alteration is predicted to be tolerated by in silico analysis. Since supporting evidence is limited at this time, the clinical significance of this alteration remains unclear.